The following is an entry in ClinVar:

ClinVar aggregate classification (germline): Uncertain significance. Review status: criteria provided, multiple submitters, no conflicts (2 of 4 stars). 2 submissions from 2 submitters: Uncertain significance (2). Last evaluated 2023-01-08.

Conditions:
MYH7-related disorder. Also called: MYH7-related condition; MYH7-related disease; MYH7-related disorders.
Dilated cardiomyopathy 1S (CMD1S). Identifiers: Orphanet 154, Orphanet 54260, MedGen C1834481, MONDO:0013262, OMIM 613426.
Hypertrophic cardiomyopathy 1 (CMH1). Also called: Familial hypertrophic cardiomyopathy 1; MYH7-Related Familial Hypertrophic Cardiomyopathy. Identifiers: MedGen C3495498, MONDO:0008647, OMIM 192600.

Submissions (2):

PreventionGenetics, part of Exact Sciences
Classification: Uncertain significance for MYH7-related condition. Last evaluated: 2023-01-08. Review status: criteria provided, single submitter. Criteria: ACMG Guidelines, 2015. Collection method: clinical testing. Allele origin: germline.
Comment: The MYH7 c.2044+2T>G variant is predicted to disrupt the GT donor site and interfere with normal splicing. To our knowledge, this variant has not been reported in the literature or in a large population database, indicating this variant is rare. To date, loss-of-function variants have not been conclusively implicated with autosomal dominant cardiac phenotypes (including dilated cardiomyopathy). However, biallelic variants may lead to severe cardiomyopathy/left ventricular noncompaction phenotypes (Kolokotronis et al. 2019. PubMed ID: 30924982). Recently, a handful of MYH7 truncating and splicing variants have been reported in a cohort of Indian patients with dilated cardiomyopathy phenotypes (Rani et al. 2022. PubMed ID: 35072022). Although we suspect that the c.2044+2T>G variant could be pathogenic, at this time, we interpret its clinical significance as uncertain due to the absence of conclusive functional and genetic evidence.

Clinical Genomics Laboratory, Stanford Medicine
Classification: Uncertain significance for Hypertrophic cardiomyopathy 1; Dilated cardiomyopathy 1S. Last evaluated: 2022-11-02. Review status: criteria provided, single submitter. Criteria: ACMG Guidelines, 2015. Collection method: clinical testing. Allele origin: germline. Affected: yes. Observed: 1 variant allele, 1 heterozygote.
Comment: The c.2044+2T>G variant in the MYH7 gene has not been previously reported in association with disease. This variant was absent from large population databases, including the Genome Aggregation Database. This variant alters the canonical donor splice site in intron 18, which is predicted to cause abnormal gene splicing and potentially a truncated or absent protein. However, loss-of-function is not currently an established mechanism of disease for MYH7-related autosomal dominant cardiomyopathy (PMID: 29300372). These data were assessed using the ACMG/AMP variant interpretation guidelines. In summary, the significance of the p.2044+2T>G variant is uncertain. Additional information is needed to resolve the significance of this variant. [ACMG evidence codes used: PM2]

Literature cited by the submitters: PubMed 29300372 (cited by Clinical Genomics Laboratory, Stanford Medicine).

NM_000257.4(MYH7):c.2044+2T>G

Gene: MYH7 (myosin heavy chain 7; minus strand). Cytogenetic location: 14q11.2.
Variant type: single nucleotide variant.
Coding change: c.2044+2T>G on transcript NM_000257.4 (MANE Select); the canonical splice donor site of the intron after coding-DNA position 2044, T replaced by G.
Molecular consequence: splice donor variant.
Genome position (GRCh38, 1-based): chr14:23,426,775, A>C on the plus strand (T>G on the coding strand, the complement: MYH7 is on the minus strand). VCF-style: chr14-23426775-A-C. GRCh37 (hg19) VCF-style: chr14-23895984-A-C.
Other names: c.2044+2T>G (NM_001407004.1).
Identifiers: ClinVar variation 2629801 (VCV002629801.2), dbSNP rs2502292241, ClinGen allele CA389049247.